The following is an entry in ClinVar:

NM_000538.4(RFXAP):c.*1194A>G

Gene: RFXAP (regulatory factor X associated protein; plus strand). Cytogenetic location: 13q13.3.
Variant type: single nucleotide variant.
Coding change: c.*1194A>G on transcript NM_000538.4 (MANE Select); 1194 bases downstream of the stop codon, A replaced by G.
Molecular consequence: 3 prime UTR variant.
Genome position (GRCh38, 1-based): chr13:36,828,947, A>G. VCF-style: chr13-36828947-A-G. GRCh37 (hg19) VCF-style: chr13-37403084-A-G.
Identifiers: ClinVar variation 311800 (VCV000311800.5), dbSNP rs11539183, ClinGen allele CA10643253.
Genomic context (GRCh38, chr13:36,828,947, plus strand): 5'-ATAAATGTATGTGTCTCAAGTTTAACTCTACAAAAATTTGTTACTTGTTTTTTAAACTCT[A>G]TATATAAAGTTCGACTTAATCATGGCTGTTCTAAGAAGTACTTATGGAGAGCAAGAACGT-3'

ClinVar aggregate classification (germline): Likely benign (1 of 4 stars; one submission).

Conditions:
MHC class II deficiency. Also called: Bare lymphocyte syndrome 2; BLS, TYPE II. Identifiers: Orphanet 572, MedGen C5447452, MONDO:0008855.

Allele frequency attached by ClinVar (database versions not stated): 1000 Genomes Project 30x 0.00172; gnomAD 0.00175 and 0.00184; gnomAD exomes 0.02500; 1000 Genomes Project 0.00160; TOPMed 0.00161.
gnomAD v4.1: 279 of 152,450 alleles (0.18%); highest among the groups gnomAD compares: South Asian, 0.43%; no homozygotes.

Submission:

Illumina Laboratory Services, Illumina
Classification: Likely benign for MHC class II deficiency 1. Last evaluated: 2018-01-13. Review status: criteria provided, single submitter. Criteria: ICSL Variant Classification Criteria 13 December 2019. Collection method: clinical testing. Allele origin: germline.
Comment: This variant was observed in the ICSL laboratory as part of a predisposition screen in an ostensibly healthy population. It had not been previously curated by ICSL or reported in the Human Gene Mutation Database (HGMD: prior to June 1st, 2018), and was therefore a candidate for classification through an automated scoring system. Utilizing variant allele frequency, disease prevalence and penetrance estimates, and inheritance mode, an automated score was calculated to assess if this variant is too frequent to cause the disease. Based on the score and internal cut-off values, a variant classified as likely benign is not then subjected to further curation. The score for this variant resulted in a classification of likely benign for this disease.